The following is an entry in ClinVar:

ClinVar aggregate classification (germline): Uncertain significance (1 of 4 stars; one submission).

Submission:

Women's Health and Genetics/Laboratory Corporation of America, LabCorp
Classification: Uncertain significance. Last evaluated: 2019-04-22. Review status: criteria provided, single submitter. Criteria: LabCorp Variant Classification Summary - May 2015. Collection method: clinical testing. Allele origin: germline.
Comment: Variant summary: FBN1 c.4981G>A (p.Gly1661Arg) results in a non-conservative amino acid change located in an EGF-like calcium-binding repeat domain (IPR001881). Five of five in-silico tools predict a damaging effect of the variant on protein function. The variant was absent in 251198 control chromosomes (gnomAD). c.4981G>A has been reported in the literature in a family, with multiple individuals affected with Marfan Syndrome (fulfilling the Ghent criteria), where the variant seemingly cosegregated with the disease manifestations (Khau Van Kien 2010). These data indicate that the variant may be associated with disease. To our knowledge, no experimental evidence demonstrating an impact on protein function has been reported. No clinical diagnostic laboratories have submitted clinical-significance assessments for this variant to ClinVar after 2014. Based on the evidence outlined above, the variant was classified as VUS-possibly pathogenic.

Literature cited by the submitters: PubMed 19802897.

NM_000138.5(FBN1):c.4981G>A (p.Gly1661Arg)

Gene: FBN1 (fibrillin 1; minus strand). Cytogenetic location: 15q21.1.
Variant type: single nucleotide variant.
Coding change: c.4981G>A on transcript NM_000138.5 (MANE Select); coding-DNA position 4981, G replaced by A.
Protein change: p.Gly1661Arg; replaces glycine 1661 with arginine.
Molecular consequence: missense variant.
Genome position (GRCh38, 1-based): chr15:48,463,983, C>T on the plus strand (G>A on the coding strand, the complement: FBN1 is on the minus strand). VCF-style: chr15-48463983-C-T. GRCh37 (hg19) VCF-style: chr15-48756180-C-T.
Other names: short protein forms G1661R.
Identifiers: ClinVar variation 928614 (VCV000928614.1), dbSNP rs2043300995, ClinGen allele CA392350271.